The following is an entry in ClinVar:

NM_024312.5(GNPTAB):c.1085A>G (p.Asn362Ser)

Gene: GNPTAB (N-acetylglucosamine-1-phosphate transferase subunits alpha and beta; minus strand). Cytogenetic location: 12q23.2.
Variant type: single nucleotide variant.
Coding change: c.1085A>G on transcript NM_024312.5 (MANE Select); coding-DNA position 1085, A replaced by G.
Protein change: p.Asn362Ser; replaces asparagine 362 with serine.
Molecular consequence: missense variant.
Genome position (GRCh38, 1-based): chr12:101,770,434, T>C on the plus strand (A>G on the coding strand, the complement: GNPTAB is on the minus strand). VCF-style: chr12-101770434-T-C. GRCh37 (hg19) VCF-style: chr12-102164212-T-C.
Other names: p.Asn362Ser; short protein forms N362S.
Identifiers: ClinVar variation 3380121 (VCV003380121.1).
Genomic context (GRCh38, chr12:101,770,434, plus strand): 5'-CACAGTCTTGTAATTTTTAGAAAGTCCTGTACCTGGTGTGTTACTATTGTCACTCGAGGA[T>C]TGTCAAGGTTCAGCCAGGATGGAATCTGCCCGTTGGTGACAATGAAAATATTCCGAACCC-3'
Protein context (NP_077288.2, residues 352-372): GQIPSWLNLD[Asn362Ser]PRVTIVTHQD

ClinVar aggregate classification (germline): Uncertain significance (1 of 4 stars; one submission).

gnomAD v4.1: 21 of 1,613,624 alleles (0.0013%); highest among the groups gnomAD compares: African/African-American, 0.021%; no homozygotes.

Submission:

Mayo Clinic Laboratories, Mayo Clinic
Classification: Uncertain significance. Last evaluated: 2024-08-02. Review status: criteria provided, single submitter. Criteria: ACMG Guidelines, 2015. Collection method: clinical testing. Allele origin: germline. Observed: 1 variant allele.
Comment: PP3